The following is an entry in ClinVar:

NM_015910.7(WDPCP):c.1798C>T (p.Arg600Cys)

Gene: WDPCP (WD repeat containing planar cell polarity effector; minus strand). Cytogenetic location: 2p15.
Variant type: single nucleotide variant.
Coding change: c.1798C>T on transcript NM_015910.7 (MANE Select); coding-DNA position 1798, C replaced by T.
Protein change: p.Arg600Cys; replaces arginine 600 with cysteine.
Molecular consequence: missense variant. On other transcripts: non-coding transcript variant (3).
Genome position (GRCh38, 1-based): chr2:63,313,262, G>A on the plus strand (C>T on the coding strand, the complement: WDPCP is on the minus strand). VCF-style: chr2-63313262-G-A. GRCh37 (hg19) VCF-style: chr2-63540397-G-A.
Other names: c.1798C>T (NM_015910.5); c.1321C>T, p.Arg441Cys (NM_001042692.3); c.1726C>T, p.Arg576Cys (NM_001354044.2); short protein forms R441C, R600C, R576C.
Identifiers: ClinVar variation 1363607 (VCV001363607.10), dbSNP rs747517141, ClinGen allele CA1682111.
Genomic context (GRCh38, chr2:63,313,262, plus strand): 5'-TAGCCTTAGAACTGAAGGCACAAAATCATCTCTGAAAATGACTCACCATAAAGAGGTCAC[G>A]AGCACCAACGTCAACAGCTAGGAGAAATGCCTTTTCAAACCTCTGGTACCTACAAGGCAG-3'
Protein context (NP_056994.3, residues 590-610): AFLLAVDVGA[Arg600Cys]DLFMDIHYLA

ClinVar aggregate classification (germline): Uncertain significance. Review status: criteria provided, multiple submitters, no conflicts (2 of 4 stars). 3 submissions from 3 submitters: Uncertain significance (3). Last evaluated 2026-09-25.

Conditions:
Optic atrophy. Identifiers: MedGen C0029124, MONDO:0003608, HP:0000648.
Bardet-Biedl syndrome (BBS). Identifiers: Orphanet 110, MedGen C0752166, MONDO:0015229.
WDPCP-related disorder. Also called: WDPCP-related condition.

Allele frequency attached by ClinVar (database versions not stated): gnomAD 0.00001; gnomAD exomes 0.00001; ExAC 0.00002.
gnomAD v4.1: 18 of 1,613,490 alleles (0.0011%); highest among the groups gnomAD compares: African/African-American, 0.0013%; no homozygotes.

Submissions (3):

PreventionGenetics, part of Exact Sciences
Classification: Uncertain significance for WDPCP-related condition. Last evaluated: 2026-09-25. Review status: criteria provided, single submitter. Criteria: ACMG Guidelines, 2015. Collection method: clinical testing. Allele origin: germline.
Comment: The WDPCP c.1798C>T variant is predicted to result in the amino acid substitution p.Arg600Cys. This variant was reported in a genomic analysis of patients with inherited retinal and optical nerve disorders (Table S12, Diñeiro et al. 2020. PubMed ID: 32483926). This variant is reported in 0.0033% of alleles in individuals of South Asian descent in gnomAD. At this time, the clinical significance of this variant is uncertain due to the absence of conclusive functional and genetic evidence.

Labcorp Genetics (formerly Invitae), Labcorp
Classification: Uncertain significance for Bardet-Biedl syndrome. Last evaluated: 2025-07-02. Review status: criteria provided, single submitter. Criteria: Invitae Variant Classification Sherloc (09022015). Collection method: clinical testing. Allele origin: germline.
Comment: This sequence change replaces arginine, which is basic and polar, with cysteine, which is neutral and slightly polar, at codon 600 of the WDPCP protein (p.Arg600Cys). This variant is present in population databases (rs747517141, gnomAD 0.003%). This missense change has been observed in individual(s) with inherited retinal disease (PMID: 32483926). ClinVar contains an entry for this variant (Variation ID: 1363607). Invitae Evidence Modeling of protein sequence and biophysical properties (such as structural, functional, and spatial information, amino acid conservation, physicochemical variation, residue mobility, and thermodynamic stability) indicates that this missense variant is expected to disrupt WDPCP protein function with a positive predictive value of 80%. In summary, the available evidence is currently insufficient to determine the role of this variant in disease. Therefore, it has been classified as a Variant of Uncertain Significance.

Institute of Human Genetics, Univ. Regensburg, Univ. Regensburg
Classification: Uncertain significance for Optic atrophy. Last evaluated: 2023-01-01. Review status: criteria provided, single submitter. Criteria: ACMG Guidelines, 2015. Collection method: clinical testing. Allele origin: germline. Affected: yes.

Literature cited by the submitters: PubMed 32483926 (cited by Labcorp Genetics (formerly Invitae), Labcorp and Institute of Human Genetics, Univ. Regensburg, Univ. Regensburg).